The following is an entry in ClinVar:

ClinVar aggregate classification (germline): Pathogenic (1 of 4 stars; one submission).

Conditions:
Polyglucosan body myopathy type 1 (PGBM1). Also called: Polyglucosan body myopathy 1 with or without immunodeficiency; POLYGLUCOSAN BODY MYOPATHY WITHOUT IMMUNODEFICIENCY. Identifiers: Orphanet 329173, Orphanet 397937, MedGen C4014605, MONDO:0014389, OMIM 615895.

Submission:

Labcorp Genetics (formerly Invitae), Labcorp
Classification: Pathogenic for Polyglucosan body myopathy type 1. Last evaluated: 2024-04-09. Review status: criteria provided, single submitter. Criteria: Invitae Variant Classification Sherloc (09022015). Collection method: clinical testing. Allele origin: germline.
Comment: This sequence change creates a premature translational stop signal (p.Asp385Glufs*4) in the RBCK1 gene. It is expected to result in an absent or disrupted protein product. Loss-of-function variants in RBCK1 are known to be pathogenic (PMID: 2379848, 23104095, 23889995). This variant is present in population databases (no rsID available, gnomAD 0.0009%). This variant has not been reported in the literature in individuals affected with RBCK1-related conditions. Algorithms developed to predict the effect of sequence changes on RNA splicing suggest that this variant may disrupt the consensus splice site. For these reasons, this variant has been classified as Pathogenic.

Literature cited by the submitters: PubMed 2379848; PubMed 23104095; PubMed 23889995.

NM_031229.4(RBCK1):c.1154dup (p.Asp385fs)

Gene: RBCK1 (RANBP2-type and C3HC4-type zinc finger containing 1; plus strand). Cytogenetic location: 20p13.
Variant type: Duplication.
Coding change: c.1154dup on transcript NM_031229.4 (MANE Select); coding-DNA position 1154, one base duplicated (A; older notation c.1154dupA).
Protein change: p.Asp385fs; shifts the reading frame from aspartic acid 385.
Molecular consequence: frameshift variant. On other transcripts: non-coding transcript variant (1).
Genome position (GRCh38, 1-based): chr20:427,437, A duplicated. VCF-style (leftmost placement, unchanged base first): chr20-427436-G-GA. GRCh37 (hg19) VCF-style: chr20-408080-G-GA.
Other names: c.644dup, p.Asp215fs (NM_001323956.2, NM_001323958.2); c.1205dup, p.Asp402fs (NM_001410770.1); c.1028dup, p.Asp343fs (NM_006462.6); short protein forms D343fs, D385fs, D402fs, D215fs.
Identifiers: ClinVar variation 3649308 (VCV003649308.2).